The following is an entry in ClinVar:

ClinVar aggregate classification (germline): Pathogenic/Likely pathogenic. Review status: criteria provided, multiple submitters, no conflicts (2 of 4 stars). 6 submissions from 6 submitters: Pathogenic (2); Likely pathogenic (2). 2 of the submissions do not count toward it. Last evaluated 2025-12-25.

Conditions:
Glutaric acidemia type 2C.
Glutaric acidemia IIc. Also called: ETFDH deficiency. Identifiers: MedGen C3278156, MONDO:0700076.
Multiple acyl-CoA dehydrogenase deficiency (MADD). Also called: ETHYLMALONIC-ADIPICACIDURIA; GA II; Glutaric acidemia type II; GA 2; Glutaric aciduria, type 2; Glutaric Acidemia type 2. Identifiers: Orphanet 26791, MedGen C0268596, MONDO:0009282, OMIM 231680.

Allele frequency attached by ClinVar (database versions not stated): ExAC 0.00001.
gnomAD v4.1: 2 of 1,614,162 alleles (0.00012%); highest among the groups gnomAD compares: East Asian, 0.0045%; no homozygotes.

Submissions (6):

Natera, Inc.
Classification: Likely pathogenic for Glutaric acidemia type 2C. Last evaluated: 2025-12-25. Review status: criteria provided, single submitter. Criteria: Natera Variant Classification Schema (03/2026). Collection method: clinical testing. Allele origin: germline.
Comment: The c.380T>A variant in ETFDH is a missense variant predicted to cause substitution of leucine to histidine at amino acid 127. This variant is rare in the general population with a frequency below the threshold expected for the associated phenotype(s). This variant has been observed in one or more individuals affected with the associated recessive disease, as either homozygous or compound heterozygous with a second variant (PMID: 19249206, 23700290, 30904546, 33589341, 36334790, 40827880). A different variant at the same position has been determined to be Pathogenic or Likely Pathogenic. Computational prediction algorithms indicate this variant is likely to affect gene or protein function. Given the available evidence, this variant is classified as Likely Pathogenic.

Fulgent Genetics
Classification: Likely pathogenic for Multiple acyl-CoA dehydrogenase deficiency. Last evaluated: 2024-06-20. Review status: criteria provided, single submitter. Criteria: ACMG Guidelines, 2015. Collection method: clinical testing. Allele origin: germline.

Labcorp Genetics (formerly Invitae), Labcorp
Classification: Pathogenic for Multiple acyl-CoA dehydrogenase deficiency. Last evaluated: 2023-07-12. Review status: criteria provided, single submitter. Criteria: Invitae Variant Classification Sherloc (09022015). Collection method: clinical testing. Allele origin: germline.
Comment: For these reasons, this variant has been classified as Pathogenic. This variant disrupts the p.Leu127 amino acid residue in ETFDH. Other variant(s) that disrupt this residue have been observed in individuals with ETFDH-related conditions (PMID: 19249206, 19758981, 25119904), which suggests that this may be a clinically significant amino acid residue. Advanced modeling of protein sequence and biophysical properties (such as structural, functional, and spatial information, amino acid conservation, physicochemical variation, residue mobility, and thermodynamic stability) performed at Invitae indicates that this missense variant is expected to disrupt ETFDH protein function. ClinVar contains an entry for this variant (Variation ID: 12030). This missense change has been observed in individual(s) with multiple acyl-CoA dehydrogenase deficiency (PMID: 19249206). In at least one individual the data is consistent with being in trans (on the opposite chromosome) from a pathogenic variant. This variant is present in population databases (rs121964956, gnomAD 0.01%). This sequence change replaces leucine, which is neutral and non-polar, with histidine, which is basic and polar, at codon 127 of the ETFDH protein (p.Leu127His).

Women's Health and Genetics/Laboratory Corporation of America, LabCorp
Classification: Pathogenic for Multiple acyl-CoA dehydrogenase deficiency. Last evaluated: 2022-07-18. Review status: criteria provided, single submitter. Criteria: LabCorp Variant Classification Summary - May 2015. Collection method: clinical testing. Allele origin: germline.
Comment: Variant summary: ETFDH c.380T>A (p.Leu127His) results in a non-conservative amino acid change in the encoded protein sequence. Five of five in-silico tools predict a damaging effect of the variant on protein function. The variant allele was found at a frequency of 8e-06 in 251414 control chromosomes (gnomAD). c.380T>A has been reported in the literature in multiple individuals affected with Glutaric Aciduria, Type 2c (example: Liang_2009, Wen_2010, Chien_2013, Lin_2019, Bylstra_2019 and Kuo_2021). These data indicate that the variant is very likely to be associated with disease. Two clinical diagnostic laboratories have submitted clinical-significance assessments for this variant to ClinVar after 2014 and classified the variant as pathogenic/likely pathogenic. Based on the evidence outlined above, the variant was classified as pathogenic.

SingHealth Duke-NUS Institute of Precision Medicine
Classification: Likely pathogenic for Multiple acyl-CoA dehydrogenase deficiency. Last evaluated: 2017-06-07. Review status: no assertion criteria provided. Collection method: curation. Allele origin: germline. Affected: no. Not counted in ClinVar's aggregate classification.

OMIM
Classification: Pathogenic for GLUTARIC ACIDEMIA IIC. Last evaluated: 2009-03-01. Review status: no assertion criteria provided. Collection method: literature only. Allele origin: germline. Not counted in ClinVar's aggregate classification.

Literature cited by the submitters: PubMed 19249206 (cited by 4 submitters); PubMed 23700290 (cited by Natera, Inc. and Women's Health and Genetics/Laboratory Corporation of America, LabCorp); PubMed 30904546 (cited by Natera, Inc. and Women's Health and Genetics/Laboratory Corporation of America, LabCorp); PubMed 33589341 (cited by Natera, Inc. and Women's Health and Genetics/Laboratory Corporation of America, LabCorp); PubMed 36334790 (cited by Natera, Inc.); PubMed 40827880 (cited by Natera, Inc.); PubMed 19758981 (cited by Labcorp Genetics (formerly Invitae), Labcorp and Women's Health and Genetics/Laboratory Corporation of America, LabCorp); PubMed 25119904 (cited by Labcorp Genetics (formerly Invitae), Labcorp); PubMed 29961769 (cited by Women's Health and Genetics/Laboratory Corporation of America, LabCorp); PubMed 20138856 (cited by Women's Health and Genetics/Laboratory Corporation of America, LabCorp).

NM_004453.4(ETFDH):c.380T>A (p.Leu127His)

Gene: ETFDH (electron transfer flavoprotein dehydrogenase; plus strand). Cytogenetic location: 4q32.1.
Variant type: single nucleotide variant.
Coding change: c.380T>A on transcript NM_004453.4 (MANE Select); coding-DNA position 380, T replaced by A.
Protein change: p.Leu127His; replaces leucine 127 with histidine.
Molecular consequence: missense variant.
Genome position (GRCh38, 1-based): chr4:158,682,399, T>A. VCF-style: chr4-158682399-T-A. GRCh37 (hg19) VCF-style: chr4-159603551-T-A.
Other names: c.239T>A, p.Leu80His (NM_001281737.2); c.197T>A, p.Leu66His (NM_001281738.1); short protein forms L127H, L66H, L80H.
Identifiers: ClinVar variation 12030 (VCV000012030.12), dbSNP rs121964956, ClinGen allele CA121821.